The following is an entry in ClinVar:

NM_153704.6(TMEM67):c.2908-2A>G

Gene: TMEM67 (transmembrane protein 67; plus strand). Cytogenetic location: 8q22.1.
Variant type: single nucleotide variant.
Coding change: c.2908-2A>G on transcript NM_153704.6 (MANE Select); the canonical splice acceptor site of the intron before coding-DNA position 2908, A replaced by G.
Molecular consequence: splice acceptor variant.
Genome position (GRCh38, 1-based): chr8:93,816,370, A>G. VCF-style: chr8-93816370-A-G. GRCh37 (hg19) VCF-style: chr8-94828598-A-G.
Other names: c.2665-2A>G (NM_001142301.1).
Identifiers: ClinVar variation 3379829 (VCV003379829.1).
Genomic context (GRCh38, chr8:93,816,370, plus strand): 5'-TCGACGTGCATATTTAATTCTGTTTATATTTCTTTTCATTCTGAATTGTTTTAATTTTCC[A>G]GATTTTTAGATATATCCGTAATACAGTAGGACAAAAGAATTTGGCATCCAAAACATTGGT-3'

ClinVar aggregate classification (germline): Uncertain significance (1 of 4 stars; one submission).

gnomAD v4.1: 8 of 1,468,290 alleles (0.00054%); highest among the groups gnomAD compares: East Asian, 0.0023%; no homozygotes.

Submission:

Mayo Clinic Laboratories, Mayo Clinic
Classification: Uncertain significance. Last evaluated: 2023-12-14. Review status: criteria provided, single submitter. Criteria: ACMG Guidelines, 2015. Collection method: clinical testing. Allele origin: germline. Observed: 1 variant allele.
Comment: PM2_moderate